The following is an entry in ClinVar:

ClinVar aggregate classification (germline): not provided (0 of 4 stars; one submission).

Conditions:
Large for gestational age. Identifiers: MedGen C1848395, HP:0001520.

Submission:

Institute of Molecular and Cell Biology, University of Tartu
No classification provided. Condition: Large for gestational age. Review status: no classification provided. Collection method: case-control. Allele origin: unknown. Affected: yes. Study: Kasak2014.
Comment: The study aimed to determine the contribution of copy number variants in the genetic etiology of normal and complicated pregnancies. The samples represented (i) maternal blood DNA drawn from healthy pregnant women during 1st or 2nd trimester and (ii) maternal and paternal blood DNA drawn at term pregnancy cases representing normal and complicated gestations (severe preeclampsia, PE; gestational diabetes, GD; small-for-gestational age newborn, SGA; large-for-gestational age newborn, LGA). We performed CNV calling based on genome-wide genotyping dataset (Illumina HumanOmniExpress-24-v1 BeadChip) by applying three algorithms, QuantiSNP, GADA (Genome Alteration Detection Algorithm) and CNstream in parallel. The acquired CNV calls were merged with HD-CNV (Hotspot Detector for Copy Number Variants) program and only the CNVs predicted by at least two programs, were considered in subsequent analysis.

Literature cited by the submitters: PubMed 25666259.

NR_102701.1(LINC00871):n.232+68453_232+78561del

Gene: LINC00871 (long intergenic non-protein coding RNA 871; plus strand). Cytogenetic location: 14q21.2.
Variant type: Deletion.
Identifiers: ClinVar variation 157308 (VCV000157308.2).